The following is an entry in ClinVar:

ClinVar aggregate classification (germline): Likely pathogenic (1 of 4 stars; one submission).

Submission:

GeneDx
Classification: Likely pathogenic. Last evaluated: 2025-07-31. Review status: criteria provided, single submitter. Criteria: GeneDx Variant Classification Process June 2021. Collection method: clinical testing. Allele origin: germline.
Comment: Frameshift variant predicted to result in protein truncation or nonsense mediated decay in a gene for which loss of function is a known mechanism of disease; Not observed at significant frequency in large population cohorts (gnomAD); Has not been previously published as pathogenic or benign to our knowledge

NM_014974.3(DIP2C):c.3949dup (p.Thr1317fs)

Gene: DIP2C (DIP2 acetate--CoA ligase C (putative); minus strand). Cytogenetic location: 10p15.3.
Variant type: Duplication.
Coding change: c.3949dup on transcript NM_014974.3 (MANE Select); coding-DNA position 3949, one base duplicated (A; older notation c.3949dupA).
Protein change: p.Thr1317fs; shifts the reading frame from threonine 1317.
Molecular consequence: frameshift variant.
Genome position (GRCh38, 1-based): chr10:310,068, T duplicated on the plus strand (A on the coding strand, the reverse complement: DIP2C is on the minus strand). VCF-style (leftmost placement, unchanged base first): chr10-310067-G-GT. GRCh37 (hg19) VCF-style: chr10-356007-G-GT.
Other names: short protein forms T1317fs.
Identifiers: ClinVar variation 3343677 (VCV003343677.2).